The following is an entry in ClinVar:

NM_018194.6(HHAT):c.1201G>A (p.Gly401Arg)

Gene: HHAT (hedgehog acyltransferase; plus strand). Cytogenetic location: 1q32.2.
Variant type: single nucleotide variant.
Coding change: c.1201G>A on transcript NM_018194.6 (MANE Select); coding-DNA position 1201, G replaced by A.
Protein change: p.Gly401Arg; replaces glycine 401 with arginine.
Molecular consequence: missense variant.
Genome position (GRCh38, 1-based): chr1:210,588,055, G>A. VCF-style: chr1-210588055-G-A. GRCh37 (hg19) VCF-style: chr1-210761399-G-A.
Other names: c.1201G>A, p.Gly401Arg (NM_001122834.4, NM_001170580.3); c.790G>A, p.Gly264Arg (NM_001170564.3); c.1204G>A, p.Gly402Arg (NM_001170587.3); c.1006G>A, p.Gly336Arg (NM_001170588.3); short protein forms G264R, G336R, G401R, G402R.
Identifiers: ClinVar variation 1803513 (VCV001803513.1), dbSNP rs1435366590, ClinGen allele CA344868862.

ClinVar aggregate classification (germline): Uncertain significance (1 of 4 stars; one submission).

Allele frequency attached by ClinVar (database versions not stated): gnomAD 0.00001; TOPMed 0.00001.
gnomAD v4.1: 2 of 1,612,926 alleles (0.00012%); highest among the groups gnomAD compares: Non-Finnish European, 0.00017%; no homozygotes.

Submission:

GeneDx
Classification: Uncertain significance. Last evaluated: 2022-06-10. Review status: criteria provided, single submitter. Criteria: GeneDx Variant Classification Process June 2021. Collection method: clinical testing. Allele origin: germline. Affected: yes.
Comment: Not observed at significant frequency in large population cohorts (gnomAD); In silico analysis supports that this missense variant does not alter protein structure/function; Has not been previously published as pathogenic or benign to our knowledge